The following is an entry in ClinVar:

ClinVar aggregate classification (germline): Uncertain significance. Review status: criteria provided, multiple submitters, no conflicts (2 of 4 stars). 2 submissions from 2 submitters: Uncertain significance (2). Last evaluated 2025-03-26.

Conditions:
Lipoic acid synthetase deficiency. Also called: HYPERGLYCINEMIA, LACTIC ACIDOSIS, AND SEIZURES. Identifiers: Orphanet 401859, MedGen C3280887, MONDO:0013762, OMIM 614462.
Inborn genetic diseases. Identifiers: MedGen C0950123, MeSH D030342.

Allele frequency attached by ClinVar (database versions not stated): TOPMed 0.00002; gnomAD exomes 0.00002; gnomAD 0.00001; ExAC 0.00002.
gnomAD v4.1: 25 of 1,607,986 alleles (0.0016%); highest among the groups gnomAD compares: African/African-American, 0.0027%; no homozygotes.

Submissions (2):

Ambry Genetics
Classification: Uncertain significance for Inborn genetic diseases. Last evaluated: 2025-03-26. Review status: criteria provided, single submitter. Criteria: Ambry Variant Classification Scheme 2023. Collection method: clinical testing. Allele origin: germline.

Labcorp Genetics (formerly Invitae), Labcorp
Classification: Uncertain significance for Lipoic acid synthetase deficiency. Last evaluated: 2021-08-31. Review status: criteria provided, single submitter. Criteria: Invitae Variant Classification Sherloc (09022015). Collection method: clinical testing. Allele origin: germline.
Comment: This sequence change replaces arginine with tryptophan at codon 252 of the LIAS protein (p.Arg252Trp). The arginine residue is highly conserved and there is a moderate physicochemical difference between arginine and tryptophan. This variant is present in population databases (rs775053206, ExAC 0.005%). This variant has not been reported in the literature in individuals affected with LIAS-related conditions. Algorithms developed to predict the effect of missense changes on protein structure and function (SIFT, PolyPhen-2, Align-GVGD) all suggest that this variant is likely to be disruptive. In summary, the available evidence is currently insufficient to determine the role of this variant in disease. Therefore, it has been classified as a Variant of Uncertain Significance.

NM_006859.4(LIAS):c.754C>T (p.Arg252Trp)

Gene: LIAS (lipoic acid synthetase; plus strand). Cytogenetic location: 4p14.
Variant type: single nucleotide variant.
Coding change: c.754C>T on transcript NM_006859.4 (MANE Select); coding-DNA position 754, C replaced by T.
Protein change: p.Arg252Trp; replaces arginine 252 with tryptophan.
Molecular consequence: missense variant.
Genome position (GRCh38, 1-based): chr4:39,470,035, C>T. VCF-style: chr4-39470035-C-T. GRCh37 (hg19) VCF-style: chr4-39471655-C-T.
Other names: c.625C>T, p.Arg209Trp (NM_001278590.2); c.445C>T, p.Arg149Trp (NM_001363700.2); c.754C>T, p.Arg252Trp (NM_194451.3); c.754C>T (NM_006859.2); short protein forms R149W, R209W, R252W.
Identifiers: ClinVar variation 1025044 (VCV001025044.7), dbSNP rs775053206, ClinGen allele CA2894770.
Genomic context (GRCh38, chr4:39,470,035, plus strand): 5'-TTGAACTTGTAATTCTTGCTGACAACAGTCCTGCTGTTTTCCAGTAAGGTTCGTGATCCT[C>T]GGGCCAATTTTGATCAGTCCCTACGTGTACTGAAACATGCCAAGAAGGTTCAGCCTGATG-3'
Protein context (NP_006850.2, residues 242-262): PELQSKVRDP[Arg252Trp]ANFDQSLRVL